The following is an entry in ClinVar:

ClinVar aggregate classification (germline): Uncertain significance (1 of 4 stars; one submission).

Allele frequency attached by ClinVar (database versions not stated): ExAC 0.00002; gnomAD exomes 0.00002; gnomAD 0.00003; TOPMed 0.00003; ESP Exome Variant Server 0.00008.
gnomAD v4.1: 30 of 1,614,030 alleles (0.0019%); highest among the groups gnomAD compares: East Asian, 0.018%; no homozygotes.

Submission:

Women's Health and Genetics/Laboratory Corporation of America, LabCorp
Classification: Uncertain significance. Last evaluated: 2024-02-01. Review status: criteria provided, single submitter. Criteria: LabCorp Variant Classification Summary - May 2015. Collection method: clinical testing. Allele origin: germline.
Comment: Variant summary: RNF213 c.1820C>T (p.Thr607Met) results in a non-conservative amino acid change in the encoded protein sequence. Four of five in-silico tools predict a benign effect of the variant on protein function. The variant allele was found at a frequency of 4e-05 in 251278 control chromosomes. To our knowledge, no occurrence of c.1820C>T in individuals affected with Moyamoya Disease 2 and no experimental evidence demonstrating its impact on protein function have been reported. No submitters have cited clinical-significance assessments for this variant to ClinVar. Based on the evidence outlined above, the variant was classified as uncertain significance.

NM_001256071.3(RNF213):c.1820C>T (p.Thr607Met)

Gene: RNF213 (ring finger protein 213; plus strand). Cytogenetic location: 17q25.3.
Variant type: single nucleotide variant.
Coding change: c.1820C>T on transcript NM_001256071.3 (MANE Select); coding-DNA position 1820, C replaced by T.
Protein change: p.Thr607Met; replaces threonine 607 with methionine.
Molecular consequence: missense variant.
Genome position (GRCh38, 1-based): chr17:80,295,621, C>T. VCF-style: chr17-80295621-C-T. GRCh37 (hg19) VCF-style: chr17-78269421-C-T.
Other names: c.1967C>T, p.Thr656Met (NM_001410195.1, NM_020914.5); c.1820C>T, p.Thr607Met (NM_020954.4); short protein forms T607M, T656M.
Identifiers: ClinVar variation 3068957 (VCV003068957.2), dbSNP rs375693737, ClinGen allele CA8819662.